The following is an entry in ClinVar:

NM_000208.4(INSR):c.3964G>C (p.Glu1322Gln)

Gene: INSR (insulin receptor; minus strand). Cytogenetic location: 19p13.2.
Variant type: single nucleotide variant.
Coding change: c.3964G>C on transcript NM_000208.4 (MANE Select); coding-DNA position 3964, G replaced by C.
Protein change: p.Glu1322Gln; replaces glutamic acid 1322 with glutamine.
Molecular consequence: missense variant.
Genome position (GRCh38, 1-based): chr19:7,117,241, C>G on the plus strand (G>C on the coding strand, the complement: INSR is on the minus strand). VCF-style: chr19-7117241-C-G. GRCh37 (hg19) VCF-style: chr19-7117252-C-G.
Other names: c.3928G>C, p.Glu1310Gln (NM_001079817.3); short protein forms E1310Q, E1322Q.
Identifiers: ClinVar variation 1049410 (VCV001049410.1), dbSNP rs2144790104, ClinGen allele CA403668592.

ClinVar aggregate classification (germline): Uncertain significance (0 of 4 stars; one submission).

Submission:

Department of Pathology and Laboratory Medicine, Sinai Health System
Classification: Uncertain significance. Review status: no assertion criteria provided. Collection method: clinical testing. Allele origin: unknown. Affected: yes. Study: The Canadian Open Genetics Repository (COGR).
Comment: The INSR p.Glu1310Gln variant was not identified in the literature nor was it identified in dbSNP, ClinVar, Cosmic, LOVD 3.0 or in the following control databases: the 1000 Genomes Project, the NHLBI GO Exome Sequencing Project, the Exome Aggregation Consortium (August 8th 2016), or the Genome Aggregation Database (Feb 27, 2017). The variant occurs outside of the splicing consensus sequence and in silico splicing prediction programs (MaxEntScan, NNSPLICE, GeneSplicer, SpliceSiteFinder) do not predict a greater than 10% difference in splicing. The p.Glu1310 residue is conserved in mammals but not in more distantly related organisms and computational analyses (PolyPhen-2, SIFT, AlignGVGD, BLOSUM, MutationTaster) provide inconsistent predictions regarding the impact to the protein; this information is not very predictive of pathogenicity. In summary, based on the above information the clinical significance of this variant cannot be determined with certainty at this time. This variant is classified as a variant of uncertain significance.